The following is an entry in ClinVar:

ClinVar aggregate classification (germline): Uncertain significance (1 of 4 stars; one submission).

gnomAD v4.1: 4 of 1,613,864 alleles (0.00025%); highest among the groups gnomAD compares: African/African-American, 0.0053%; no homozygotes.

Submission:

Labcorp Genetics (formerly Invitae), Labcorp
Classification: Uncertain significance. Last evaluated: 2025-08-10. Review status: criteria provided, single submitter. Criteria: Invitae Variant Classification Sherloc (09022015). Collection method: clinical testing. Allele origin: germline.
Comment: This sequence change replaces valine, which is neutral and non-polar, with isoleucine, which is neutral and non-polar, at codon 1150 of the ATP13A3 protein (p.Val1150Ile). This variant is present in population databases (no rsID available, gnomAD 0.007%). This variant has not been reported in the literature in individuals affected with ATP13A3-related conditions. An algorithm developed to predict the effect of missense changes on protein structure and function outputs the following: PolyPhen-2: "Benign". The isoleucine amino acid residue is found in multiple mammalian species, which suggests that this missense change does not adversely affect protein function. In summary, the available evidence is currently insufficient to determine the role of this variant in disease. Therefore, it has been classified as a Variant of Uncertain Significance.

NM_001367549.1(ATP13A3):c.3448G>A (p.Val1150Ile)

Gene: ATP13A3 (ATPase 13A3; minus strand). Cytogenetic location: 3q29.
Variant type: single nucleotide variant.
Coding change: c.3448G>A on transcript NM_001367549.1 (MANE Select); coding-DNA position 3448, G replaced by A.
Protein change: p.Val1150Ile; replaces valine 1150 with isoleucine.
Molecular consequence: missense variant. On other transcripts: non-coding transcript variant (2).
Genome position (GRCh38, 1-based): chr3:194,413,794, C>T on the plus strand (G>A on the coding strand, the complement: ATP13A3 is on the minus strand). VCF-style: chr3-194413794-C-T. GRCh37 (hg19) VCF-style: chr3-194134523-C-T.
Other names: c.3367G>A, p.Val1123Ile (NM_001374836.1); c.3448G>A, p.Val1150Ile (NM_001437993.1, NM_024524.4); short protein forms V1150I, V1123I.
Identifiers: ClinVar variation 4741325 (VCV004741325.1).